The following is an entry in ClinVar:

NM_000092.5(COL4A4):c.1324G>A (p.Gly442Ser)

Gene: COL4A4 (collagen type IV alpha 4 chain; minus strand). Cytogenetic location: 2q36.3.
Variant type: single nucleotide variant.
Coding change: c.1324G>A on transcript NM_000092.5 (MANE Select); coding-DNA position 1324, G replaced by A.
Protein change: p.Gly442Ser; replaces glycine 442 with serine.
Molecular consequence: missense variant.
Genome position (GRCh38, 1-based): chr2:227,094,170, C>T on the plus strand (G>A on the coding strand, the complement: COL4A4 is on the minus strand). VCF-style: chr2-227094170-C-T. GRCh37 (hg19) VCF-style: chr2-227958886-C-T.
Other names: short protein forms G442S.
Identifiers: ClinVar variation 3251903 (VCV003251903.3), dbSNP rs2060086619.

ClinVar aggregate classification (germline): Conflicting classifications of pathogenicity. Review status: criteria provided, conflicting classifications (1 of 4 stars). 3 submissions from 3 submitters: Likely pathogenic (2); Uncertain significance (1). Last evaluated 2025-10-28.

Conditions:
Alport syndrome. Also called: Hemorrhagic familial nephritis; Hemorrhagic hereditary nephritis; Congenital hereditary hematuria. Identifiers: Orphanet 63, MedGen C1567741, MONDO:0018965.
Autosomal recessive Alport syndrome (ATS2). Also called: COL4A3-Related Nephropathy; COL4A4 Alport Syndrome and Thin Basement Membrane Nephropathy; ALPORT SYNDROME 2, AUTOSOMAL RECESSIVE; Alport syndrome type 2. Identifiers: Orphanet 63, Orphanet 88919, MedGen C4746745, MONDO:0008762, OMIM 203780.
Hematuria, benign familial, 1 (BFH1). Also called: THIN MEMBRANE NEPHROPATHY. Identifiers: MedGen CN376803, MONDO:0007709, OMIM 141200.

Submissions (3):

Natera, Inc.
Classification: Likely pathogenic for Alport syndrome. Last evaluated: 2025-10-28. Review status: criteria provided, single submitter. Criteria: Natera Variant Classification Schema (03/2026). Collection method: clinical testing. Allele origin: germline.
Comment: The c.1324G>A variant in COL4A4 is a missense variant predicted to cause substitution of glycine to serine at amino acid 442. This variant is rare in the general population with a frequency below the threshold expected for the associated phenotype(s). This variant is located in a functionally critical region of the protein. Computational prediction algorithms indicate this variant is likely to affect gene or protein function. Given the available evidence, this variant is classified as Likely Pathogenic.

Fulgent Genetics
Classification: Likely pathogenic for Hematuria, benign familial, 1; Autosomal recessive Alport syndrome. Last evaluated: 2024-04-22. Review status: criteria provided, single submitter. Criteria: ACMG Guidelines, 2015. Collection method: clinical testing. Allele origin: germline.

Women's Health and Genetics/Laboratory Corporation of America, LabCorp
Classification: Uncertain significance. Last evaluated: 2024-04-17. Review status: criteria provided, single submitter. Criteria: LabCorp Variant Classification Summary - May 2015. Collection method: clinical testing. Allele origin: germline.
Comment: Variant summary: COL4A4 c.1324G>A (p.Gly442Ser) results in a non-conservative amino acid change in the encoded protein sequence. Five of five in-silico tools predict a damaging effect of the variant on protein function. The variant was absent in 248288 control chromosomes. The available data on variant occurrences in the general population are insufficient to allow any conclusion about variant significance. To our knowledge, no occurrence of c.1324G>A in individuals affected with COL4A4-related conditions and no experimental evidence demonstrating its impact on protein function have been reported. No submitters have cited clinical-significance assessments for this variant to ClinVar. Based on the evidence outlined above, the variant was classified as uncertain significance.